The following is an entry in ClinVar:

ClinVar aggregate classification (germline): Benign. Review status: criteria provided, multiple submitters, no conflicts (2 of 4 stars). 2 submissions from 2 submitters: Benign (2). Last evaluated 2018-06-14.

Allele frequency attached by ClinVar (database versions not stated): gnomAD 0.17842 and 0.18708; gnomAD exomes 0.18534; TOPMed 0.18944; 1000 Genomes Project 30x 0.26530; 1000 Genomes Project 0.26897.
gnomAD v4.1: 99,588 of 536,094 alleles (19%); highest among the groups gnomAD compares: East Asian, 40%; 11,378 homozygotes.

Submissions (2):

GeneDx
Classification: Benign. Last evaluated: 2018-06-14. Review status: criteria provided, single submitter. Criteria: GeneDx Variant Classification (06012015). Collection method: clinical testing. Allele origin: germline. Affected: yes.
Comment: This variant is considered likely benign or benign based on one or more of the following criteria: it is a conservative change, it occurs at a poorly conserved position in the protein, it is predicted to be benign by multiple in silico algorithms, and/or has population frequency not consistent with disease.

Breakthrough Genomics
Classification: Benign. Review status: criteria provided, single submitter. Criteria: ACMG Guidelines, 2015. Collection method: not provided. Allele origin: germline. Inheritance: Autosomal recessive inheritance. Affected: yes.

NM_001080449.3(DNA2):c.1646+188A>G

Gene: DNA2 (DNA replication helicase/nuclease 2; minus strand). Cytogenetic location: 10q21.3.
Variant type: single nucleotide variant.
Coding change: c.1646+188A>G on transcript NM_001080449.3 (MANE Select); 188 bases into the intron after coding-DNA position 1646, A replaced by G.
Molecular consequence: intron variant.
Genome position (GRCh38, 1-based): chr10:68,436,823, T>C on the plus strand (A>G on the coding strand, the complement: DNA2 is on the minus strand). VCF-style: chr10-68436823-T-C. GRCh37 (hg19) VCF-style: chr10-70196580-T-C.
Identifiers: ClinVar variation 669723 (VCV000669723.2), dbSNP rs4746769, ClinGen allele CA13364640.